The following is an entry in ClinVar:

ClinVar aggregate classification (germline): Likely benign (1 of 4 stars; one submission).

Conditions:
Neurofibromatosis, type 1 (NF1). Also called: VON RECKLINGHAUSEN DISEASE; NEUROFIBROMATOSIS, TYPE I, SOMATIC; Peripheral type neurofibromatosis; Neurofibromatosis, type I. Identifiers: Orphanet 636, MedGen C0027831, MONDO:0018975, OMIM 162200. Disease mechanism: loss of function.

Submission:

Myriad Genetics, Inc.
Classification: Likely benign for Neurofibromatosis, type 1. Last evaluated: 2026-09-22. Review status: criteria provided, single submitter. Criteria: Myriad Autosomal Dominant, Autosomal Recessive and X-Linked Classification Criteria (2023). Collection method: clinical testing. Allele origin: unknown.
Comment: This variant is considered likely benign. This variant is intronic and is not expected to impact mRNA splicing.

NM_001042492.3(NF1):c.4333-15T>C

Gene: NF1 (neurofibromin 1; plus strand). Cytogenetic location: 17q11.2.
Variant type: single nucleotide variant.
Coding change: c.4333-15T>C on transcript NM_001042492.3 (MANE Select); 15 bases into the intron before coding-DNA position 4333, T replaced by C.
Molecular consequence: intron variant.
Genome position (GRCh38, 1-based): chr17:31,259,017, T>C. VCF-style: chr17-31259017-T-C. GRCh37 (hg19) VCF-style: chr17-29586035-T-C.
Other names: c.4270-15T>C (NM_000267.4).
Identifiers: ClinVar variation 5042481 (VCV005042481.1).
Genomic context (GRCh38, chr17:31,259,017, plus strand): 5'-TTTAAAGAATGTCTTAATGTATAGACTTCATACAATAAATAATCTGATTATTTATAACCC[T>C]GTTTTATTGTGTAGATACTTCAGAGTATTGCCAATCATGTTCTCTTCACAAAAGAAGAAC-3'